The following is an entry in ClinVar:

ClinVar aggregate classification (germline): Uncertain significance (1 of 4 stars; one submission).

Conditions:
Muscular dystrophy-dystroglycanopathy (congenital with brain and eye anomalies), type A, 7. Also called: WALKER-WARBURG SYNDROME OR MUSCLE-EYE-BRAIN DISEASE, ISPD-RELATED; Congenital muscular dystrophy-dystroglycanopathy with brain and eye anomalies, type A7. Identifiers: Orphanet 899, MedGen C3553330, MONDO:0013835, OMIM 614643.
Autosomal recessive limb-girdle muscular dystrophy type 2U. Also called: Muscular dystrophy-dystroglycanopathy (limb-girdle), type c, 7; MUSCULAR DYSTROPHY, LIMB-GIRDLE, TYPE 2U. Identifiers: Orphanet 352479, MedGen C5190987, MONDO:0014474, OMIM 616052.

gnomAD v4.1: 1 of 1,533,268 alleles (0.000065%); no homozygotes.

Submission:

Labcorp Genetics (formerly Invitae), Labcorp
Classification: Uncertain significance for Muscular dystrophy-dystroglycanopathy (congenital with brain and eye anomalies), type A, 7; Autosomal recessive limb-girdle muscular dystrophy type 2U. Last evaluated: 2020-07-13. Review status: criteria provided, single submitter. Criteria: Invitae Variant Classification Sherloc (09022015). Collection method: clinical testing. Allele origin: germline.
Comment: In summary, the available evidence is currently insufficient to determine the role of this variant in disease. Therefore, it has been classified as a Variant of Uncertain Significance. This variant is not present in population databases (ExAC no frequency). This variant has not been reported in the literature in individuals with ISPD-related conditions. Algorithms developed to predict the effect of missense changes on protein structure and function output the following: SIFT: "Tolerated"; PolyPhen-2: "Benign"; Align-GVGD: "Class C0". The aspartic acid amino acid residue is found in multiple mammalian species, suggesting that this missense change does not adversely affect protein function. These predictions have not been confirmed by published functional studies and their clinical significance is uncertain. This sequence change replaces glutamic acid with aspartic acid at codon 424 of the ISPD protein (p.Glu424Asp). The glutamic acid residue is weakly conserved and there is a small physicochemical difference between glutamic acid and aspartic acid.

NM_001101426.4(CRPPA):c.1272G>C (p.Glu424Asp)

Genes: CRPPA (CDP-L-ribitol pyrophosphorylase A; minus strand), LOC129389757 (MPRA-validated peak6410 silencer; plus strand). Cytogenetic location: 7p21.2.
Variant type: single nucleotide variant.
Coding change: c.1272G>C on transcript NM_001101426.4 (MANE Select); coding-DNA position 1272, G replaced by C.
Protein change: p.Glu424Asp; replaces glutamic acid 424 with aspartic acid.
Molecular consequence: missense variant. On other transcripts: non-coding transcript variant (1).
Genome position (GRCh38, 1-based): chr7:16,091,779, C>G on the plus strand (G>C on the coding strand, the complement: CRPPA is on the minus strand). VCF-style: chr7-16091779-C-G. GRCh37 (hg19) VCF-style: chr7-16131404-C-G.
Other names: c.1122G>C, p.Glu374Asp (NM_001101417.4); c.1167G>C, p.Glu389Asp (NM_001368197.1); short protein forms E374D, E389D, E424D.
Identifiers: ClinVar variation 1003828 (VCV001003828.9), dbSNP rs2064970438, ClinGen allele CA367000406.